The following is an entry in ClinVar:

NM_006343.3(MERTK):c.1233G>C (p.Lys411Asn)

Gene: MERTK (MER proto-oncogene, tyrosine kinase; plus strand). Cytogenetic location: 2q13.
Variant type: single nucleotide variant.
Coding change: c.1233G>C on transcript NM_006343.3 (MANE Select); coding-DNA position 1233, G replaced by C.
Protein change: p.Lys411Asn; replaces lysine 411 with asparagine.
Molecular consequence: missense variant.
Genome position (GRCh38, 1-based): chr2:111,982,930, G>C. VCF-style: chr2-111982930-G-C. GRCh37 (hg19) VCF-style: chr2-112740507-G-C.
Other names: short protein forms K411N.
Identifiers: ClinVar variation 1049901 (VCV001049901.1), dbSNP rs762917462, ClinGen allele CA1831301.

ClinVar aggregate classification (germline): Uncertain significance (0 of 4 stars; one submission).

Allele frequency attached by ClinVar (database versions not stated): gnomAD exomes below 0.00001 and 0.00001; ExAC 0.00001; TOPMed 0.00002; gnomAD 0.00003.
gnomAD v4.1: 7 of 1,614,032 alleles (0.00043%); highest among the groups gnomAD compares: African/African-American, 0.0093%; no homozygotes.

Submission:

Department of Pathology and Laboratory Medicine, Sinai Health System
Classification: Uncertain significance. Review status: no assertion criteria provided. Collection method: clinical testing. Allele origin: unknown. Affected: yes. Study: The Canadian Open Genetics Repository (COGR).
Comment: The MERTK p.Lys411Asn variant was not identified in the literature nor was it identified in ClinVar, Cosmic, or LOVD 3.0. The variant was identified in dbSNP (ID: rs762917462) and in control databases in 4 of 282866 chromosomes at a frequency of 0.000014 (Genome Aggregation Database Feb 27, 2017). The variant was observed in the African population in 4 of 24964 chromosomes (freq: 0.00016); it was not observed in the Latino, Ashkenazi Jewish, East Asian, European (Finnish), European (non-Finnish), Other or South Asian populations. The p.Lys411 residue is conserved in mammals and computational analyses (PolyPhen-2, SIFT, AlignGVGD, BLOSUM, MutationTaster) provide inconsistent predictions regarding the impact to the protein; this information is not very predictive of pathogenicity. The variant occurs outside of the splicing consensus sequence and in silico or computational prediction software programs (SpliceSiteFinder, MaxEntScan, NNSPLICE, GeneSplicer) do not predict a difference in splicing. In summary, based on the above information the clinical significance of this variant cannot be determined with certainty at this time. This variant is classified as a variant of uncertain significance.